The following is an entry in ClinVar:

ClinVar aggregate classification (germline): Pathogenic (1 of 4 stars; one submission).

Conditions:
Bardet-Biedl syndrome (BBS). Identifiers: Orphanet 110, MedGen C0752166, MONDO:0015229.

Submission:

Labcorp Genetics (formerly Invitae), Labcorp
Classification: Pathogenic for Bardet-Biedl syndrome. Last evaluated: 2023-01-15. Review status: criteria provided, single submitter. Criteria: Invitae Variant Classification Sherloc (09022015). Collection method: clinical testing. Allele origin: germline.
Comment: This sequence change creates a premature translational stop signal (p.Lys153Argfs*10) in the BBS4 gene. It is expected to result in an absent or disrupted protein product. Loss-of-function variants in BBS4 are known to be pathogenic (PMID: 11381270, 12016587, 20177705, 27894351). This variant is not present in population databases (gnomAD no frequency). This variant has not been reported in the literature in individuals affected with BBS4-related conditions. For these reasons, this variant has been classified as Pathogenic.

Literature cited by the submitters: PubMed 11381270; PubMed 12016587; PubMed 20177705; PubMed 27894351.

NM_033028.5(BBS4):c.458del (p.Lys153fs)

Gene: BBS4 (Bardet-Biedl syndrome 4; plus strand). Cytogenetic location: 15q24.1.
Variant type: Deletion.
Coding change: c.458del on transcript NM_033028.5 (MANE Select); coding-DNA position 458, one base deleted (A; older notation c.458delA).
Protein change: p.Lys153fs; shifts the reading frame from lysine 153.
Molecular consequence: frameshift variant. On other transcripts: 5 prime UTR variant (1), non-coding transcript variant (2).
Genome position (GRCh38, 1-based): chr15:72,722,846, A deleted; the last of 2 consecutive A bases (chr15:72,722,845-72,722,846); deleting either gives the same sequence. VCF-style (leftmost placement, unchanged base first): chr15-72722844-CA-C. GRCh37 (hg19) VCF-style: chr15-73015185-CA-C.
Other names: c.-59del (NM_001252678.2); c.458del, p.Lys153fs (NM_001320665.2); short protein forms K153fs.
Identifiers: ClinVar variation 2828708 (VCV002828708.3), dbSNP rs2542969441, ClinGen allele CA2739269561.
Genomic context (GRCh38, chr15:72,722,844, plus strand): 5'-ATGAGCCTAGGAGATCAGCCATAACCTAGGAGTTTGCTACATATACCTGAAGCAGTTCAA[CA>C]AGGTAATTTATAGAAGTGGTGATAGATTTCACTGAGGGTGCACTTGTTGCAGAAGTTGTT-3'